The following is an entry in ClinVar:

NM_004655.4(AXIN2):c.1249del (p.Ala417fs)

Gene: AXIN2 (axin 2; minus strand). Cytogenetic location: 17q24.1.
Variant type: Deletion.
Coding change: c.1249del on transcript NM_004655.4 (MANE Select); coding-DNA position 1249, one base deleted (G; older notation c.1249delG).
Protein change: p.Ala417fs; shifts the reading frame from alanine 417.
Molecular consequence: frameshift variant.
Genome position (GRCh38, 1-based): chr17:65,537,787, C deleted on the plus strand (G on the coding strand, the reverse complement: AXIN2 is on the minus strand); the first of 5 consecutive C bases (chr17:65,537,787-65,537,791); deleting any one gives the same sequence. VCF-style (leftmost placement, unchanged base first): chr17-65537786-GC-G. GRCh37 (hg19) VCF-style: chr17-63533904-GC-G.
Other names: c.1249del, p.Ala417fs (NM_001363813.1); c.1249delG (NM_004655.3); short protein forms A417fs.
Identifiers: ClinVar variation 936374 (VCV000936374.10), dbSNP rs2043961707, ClinGen allele CA501691354.

ClinVar aggregate classification (germline): Pathogenic. Review status: criteria provided, multiple submitters, no conflicts (2 of 4 stars). 3 submissions from 3 submitters: Pathogenic (3). Last evaluated 2025-05-13.

Conditions:
Oligodontia-cancer predisposition syndrome. Also called: TOOTH AGENESIS-COLORECTAL CANCER SYNDROME. Identifiers: Orphanet 300576, MedGen C1837750, MONDO:0012075, OMIM 608615. Disease mechanism: loss of function.
Hereditary cancer-predisposing syndrome. Also called: Tumor predisposition; Hereditary neoplastic syndrome; Hereditary Cancer Syndrome; Neoplastic Syndromes, Hereditary. Identifiers: Orphanet 140162, MedGen C0027672, MeSH D009386, MONDO:0015356.

Submissions (3):

Ambry Genetics
Classification: Pathogenic for Hereditary cancer-predisposing syndrome. Last evaluated: 2025-05-13. Review status: criteria provided, single submitter. Criteria: Ambry Variant Classification Scheme 2023. Collection method: clinical testing. Allele origin: germline.
Comment: The c.1249delG pathogenic mutation, located in coding exon 5 of the AXIN2 gene, results from a deletion of one nucleotide at nucleotide position 1249, causing a translational frameshift with a predicted alternate stop codon (p.A417Rfs*41). This variant is considered to be rare based on population cohorts in the Genome Aggregation Database (gnomAD). This alteration is expected to result in loss of function by premature protein truncation or nonsense-mediated mRNA decay. As such, this alteration is interpreted as a disease-causing mutation.

Labcorp Genetics (formerly Invitae), Labcorp
Classification: Pathogenic for Oligodontia-cancer predisposition syndrome. Last evaluated: 2024-11-18. Review status: criteria provided, single submitter. Criteria: Invitae Variant Classification Sherloc (09022015). Collection method: clinical testing. Allele origin: germline.
Comment: This sequence change creates a premature translational stop signal (p.Ala417Argfs*41) in the AXIN2 gene. It is expected to result in an absent or disrupted protein product. Loss-of-function variants in AXIN2 are known to be pathogenic (PMID: 15042511, 21416598). This variant is not present in population databases (gnomAD no frequency). This variant has not been reported in the literature in individuals affected with AXIN2-related conditions. ClinVar contains an entry for this variant (Variation ID: 936374). For these reasons, this variant has been classified as Pathogenic.

Myriad Genetics, Inc.
Classification: Pathogenic for Oligodontia-cancer predisposition syndrome. Last evaluated: 2023-05-17. Review status: criteria provided, single submitter. Criteria: Myriad Autosomal Dominant, Autosomal Recessive and X-Linked Classification Criteria (2023). Collection method: clinical testing. Allele origin: unknown.
Comment: This variant is considered pathogenic. This variant creates a frameshift predicted to result in premature protein truncation.

Literature cited by the submitters: PubMed 15042511 (cited by Labcorp Genetics (formerly Invitae), Labcorp); PubMed 21416598 (cited by Labcorp Genetics (formerly Invitae), Labcorp).